The following is an entry in ClinVar:

NM_001854.4(COL11A1):c.4951C>T (p.Pro1651Ser)

Gene: COL11A1 (collagen type XI alpha 1 chain; minus strand). Cytogenetic location: 1p21.1.
Variant type: single nucleotide variant.
Coding change: c.4951C>T on transcript NM_001854.4 (MANE Select); coding-DNA position 4951, C replaced by T.
Protein change: p.Pro1651Ser; replaces proline 1651 with serine.
Molecular consequence: missense variant. On other transcripts: non-coding transcript variant (1).
Genome position (GRCh38, 1-based): chr1:102,883,219, G>A on the plus strand (C>T on the coding strand, the complement: COL11A1 is on the minus strand). VCF-style: chr1-102883219-G-A. GRCh37 (hg19) VCF-style: chr1-103348775-G-A.
Other names: c.4603C>T, p.Pro1535Ser (NM_001168249.1, NM_080630.4); c.4834C>T, p.Pro1612Ser (NM_001190709.2); c.4987C>T, p.Pro1663Ser (NM_080629.3); short protein forms P1663S, P1535S, P1612S, P1651S.
Identifiers: ClinVar variation 2047100 (VCV002047100.4), dbSNP rs776122573, ClinGen allele CA341211474.

ClinVar aggregate classification (germline): Uncertain significance (1 of 4 stars; one submission).

Submission:

Labcorp Genetics (formerly Invitae), Labcorp
Classification: Uncertain significance. Last evaluated: 2021-12-18. Review status: criteria provided, single submitter. Criteria: Invitae Variant Classification Sherloc (09022015). Collection method: clinical testing. Allele origin: germline.
Comment: In summary, the available evidence is currently insufficient to determine the role of this variant in disease. Therefore, it has been classified as a Variant of Uncertain Significance. Algorithms developed to predict the effect of missense changes on protein structure and function are either unavailable or do not agree on the potential impact of this missense change (SIFT: "Deleterious"; PolyPhen-2: "Not Available"; Align-GVGD: "Class C65"). This variant has not been reported in the literature in individuals affected with COL11A1-related conditions. This variant is not present in population databases (gnomAD no frequency). This sequence change replaces proline, which is neutral and non-polar, with serine, which is neutral and polar, at codon 1651 of the COL11A1 protein (p.Pro1651Ser).